The following is an entry in ClinVar:

NM_018013.4(SOBP):c.1419A>C (p.Pro473=)

Gene: SOBP (sine oculis binding protein homolog; plus strand). Cytogenetic location: 6q21.
Variant type: single nucleotide variant.
Coding change: c.1419A>C on transcript NM_018013.4 (MANE Select); coding-DNA position 1419, A replaced by C.
Protein change: p.Pro473=; no amino-acid change (proline 473 retained).
Molecular consequence: synonymous variant.
Genome position (GRCh38, 1-based): chr6:107,634,263, A>C. VCF-style: chr6-107634263-A-C. GRCh37 (hg19) VCF-style: chr6-107955467-A-C.
Identifiers: ClinVar variation 2656817 (VCV002656817.24), dbSNP rs1226628501, ClinGen allele CA451581390.

ClinVar aggregate classification (germline): Likely benign (1 of 4 stars; one submission).

Submission:

CeGaT Center for Human Genetics Tuebingen
Classification: Likely benign. Last evaluated: 2022-11-01. Review status: criteria provided, single submitter. Criteria: CeGaT Center For Human Genetics Tuebingen Variant Classification Criteria Version 2. Collection method: clinical testing. Allele origin: germline. Affected: yes. Observed: 1 variant allele.
Comment: SOBP: BP4, BP7